The following is an entry in ClinVar:

NM_001129.5(AEBP1):c.298G>A (p.Asp100Asn)

Gene: AEBP1 (AE binding protein 1; plus strand). Cytogenetic location: 7p13.
Variant type: single nucleotide variant.
Coding change: c.298G>A on transcript NM_001129.5 (MANE Select); coding-DNA position 298, G replaced by A.
Protein change: p.Asp100Asn; replaces aspartic acid 100 with asparagine.
Molecular consequence: missense variant.
Genome position (GRCh38, 1-based): chr7:44,106,590, G>A. VCF-style: chr7-44106590-G-A. GRCh37 (hg19) VCF-style: chr7-44146189-G-A.
Other names: short protein forms D100N.
Identifiers: ClinVar variation 2885444 (VCV002885444.1), dbSNP rs1180881554, ClinGen allele CA367357104.

ClinVar aggregate classification (germline): Uncertain significance (1 of 4 stars; one submission).

Allele frequency attached by ClinVar (database versions not stated): gnomAD exomes 0.00001.
gnomAD v4.1: 8 of 1,608,750 alleles (0.0005%); highest among the groups gnomAD compares: East Asian, 0.0022%; no homozygotes.

Submission:

Labcorp Genetics (formerly Invitae), Labcorp
Classification: Uncertain significance. Last evaluated: 2023-08-28. Review status: criteria provided, single submitter. Criteria: Invitae Variant Classification Sherloc (09022015). Collection method: clinical testing. Allele origin: germline.
Comment: In summary, the available evidence is currently insufficient to determine the role of this variant in disease. Therefore, it has been classified as a Variant of Uncertain Significance. Experimental studies and prediction algorithms are not available or were not evaluated, and the functional significance of this variant is currently unknown. This variant has not been reported in the literature in individuals affected with AEBP1-related conditions. This variant is not present in population databases (gnomAD no frequency). This sequence change replaces aspartic acid, which is acidic and polar, with asparagine, which is neutral and polar, at codon 100 of the AEBP1 protein (p.Asp100Asn).